The following is an entry in ClinVar:

NM_001018005.2(TPM1):c.148C>T (p.Leu50Phe)

Gene: TPM1 (tropomyosin 1; plus strand). Cytogenetic location: 15q22.2.
Variant type: single nucleotide variant.
Coding change: c.148C>T on transcript NM_001018005.2 (MANE Select); coding-DNA position 148, C replaced by T.
Protein change: p.Leu50Phe; replaces leucine 50 with phenylalanine.
Molecular consequence: missense variant. On other transcripts: intron variant (3).
Genome position (GRCh38, 1-based): chr15:63,044,060, C>T. VCF-style: chr15-63044060-C-T. GRCh37 (hg19) VCF-style: chr15-63336259-C-T.
Other names: c.148C>T, p.Leu50Phe (NM_000366.6, NM_001018004.2, NM_001018006.2 and 3 more transcripts); c.274C>T, p.Leu92Phe (NM_001365778.1); c.240+229C>T (NM_001018020.2, NM_001018007.2, NM_001301244.2); short protein forms L50F, L92F.
Identifiers: ClinVar variation 454415 (VCV000454415.12), dbSNP rs1060501866, ClinGen allele CA392718550.

ClinVar aggregate classification (germline): Conflicting classifications of pathogenicity. Review status: criteria provided, conflicting classifications (1 of 4 stars). 2 submissions from 2 submitters: Pathogenic (1); Uncertain significance (1). Last evaluated 2025-06-29.

Conditions:
Hypertrophic cardiomyopathy. Also called: HYPERTROPHIC MYOCARDIOPATHY. Identifiers: Orphanet 217569, MedGen C0007194, MeSH D002312, MONDO:0005045, HP:0001639.

Allele frequency attached by ClinVar (database versions not stated): gnomAD exomes below 0.00001.
gnomAD v4.1: 1 of 1,614,122 alleles (0.000062%); highest among the groups gnomAD compares: Non-Finnish European, 0.000085%; no homozygotes.

Submissions (2):

Labcorp Genetics (formerly Invitae), Labcorp
Classification: Pathogenic for Hypertrophic cardiomyopathy. Last evaluated: 2025-06-29. Review status: criteria provided, single submitter. Criteria: Invitae Variant Classification Sherloc (09022015). Collection method: clinical testing. Allele origin: germline.
Comment: This sequence change replaces leucine, which is neutral and non-polar, with phenylalanine, which is neutral and non-polar, at codon 50 of the TPM1 protein (p.Leu50Phe). This variant is not present in population databases (gnomAD no frequency). This missense change has been observed in individuals with dilated cardiomyopathy (internal data). It has also been observed to segregate with disease in related individuals. ClinVar contains an entry for this variant (Variation ID: 454415). An algorithm developed to predict the effect of missense changes on protein structure and function (PolyPhen-2) suggests that this variant is likely to be disruptive. For these reasons, this variant has been classified as Pathogenic.

GeneDx
Classification: Uncertain significance. Last evaluated: 2024-08-04. Review status: criteria provided, single submitter. Criteria: GeneDx Variant Classification Process June 2021. Collection method: clinical testing. Allele origin: germline. Affected: yes.
Comment: Has not been previously published as pathogenic or benign to our knowledge; Not observed at significant frequency in large population cohorts (gnomAD); In silico analysis supports that this missense variant has a deleterious effect on protein structure/function